The following is an entry in ClinVar:

NM_015909.4(NBAS):c.2339+3A>G

Gene: NBAS (NBAS subunit of NRZ tethering complex; minus strand). Cytogenetic location: 2p24.3.
Variant type: single nucleotide variant.
Coding change: c.2339+3A>G on transcript NM_015909.4 (MANE Select); 3 bases into the intron after coding-DNA position 2339, A replaced by G.
Molecular consequence: intron variant.
Genome position (GRCh38, 1-based): chr2:15,461,198, T>C on the plus strand (A>G on the coding strand, the complement: NBAS is on the minus strand). VCF-style: chr2-15461198-T-C. GRCh37 (hg19) VCF-style: chr2-15601322-T-C.
Identifiers: ClinVar variation 1482429 (VCV001482429.3), dbSNP rs748290800, ClinGen allele CA1536397.

ClinVar aggregate classification (germline): Uncertain significance (1 of 4 stars; one submission).

Allele frequency attached by ClinVar (database versions not stated): ExAC 0.00001; gnomAD 0.00001; gnomAD exomes 0.00001 and 0.00004; TOPMed 0.00001.
gnomAD v4.1: 59 of 1,613,286 alleles (0.0037%); highest among the groups gnomAD compares: Non-Finnish European, 0.0047%; no homozygotes.

Submission:

Labcorp Genetics (formerly Invitae), Labcorp
Classification: Uncertain significance. Last evaluated: 2021-06-24. Review status: criteria provided, single submitter. Criteria: Invitae Variant Classification Sherloc (09022015). Collection method: clinical testing. Allele origin: germline.
Comment: This sequence change falls in intron 21 of the NBAS gene. It does not directly change the encoded amino acid sequence of the NBAS protein. It affects a nucleotide within the consensus splice site of the intron. This variant is present in population databases (rs748290800, ExAC 0.001%). This variant has not been reported in the literature in individuals with NBAS-related conditions. Nucleotide substitutions within the consensus splice site are a relatively common cause of aberrant splicing (PMID: 17576681, 9536098). Algorithms developed to predict the effect of sequence changes on RNA splicing suggest that this variant may disrupt the consensus splice site, but this prediction has not been confirmed by published transcriptional studies. In summary, the available evidence is currently insufficient to determine the role of this variant in disease. Therefore, it has been classified as a Variant of Uncertain Significance.

Literature cited by the submitters: PubMed 17576681; PubMed 9536098.